The following is an entry in ClinVar:

NM_001378454.1(ALMS1):c.1816G>A (p.Gly606Arg)

Gene: ALMS1 (ALMS1 centrosome and basal body associated protein; plus strand). Cytogenetic location: 2p13.1.
Variant type: single nucleotide variant.
Coding change: c.1816G>A on transcript NM_001378454.1 (MANE Select); coding-DNA position 1816, G replaced by A.
Protein change: p.Gly606Arg; replaces glycine 606 with arginine.
Molecular consequence: missense variant.
Genome position (GRCh38, 1-based): chr2:73,448,343, G>A. VCF-style: chr2-73448343-G-A. GRCh37 (hg19) VCF-style: chr2-73675470-G-A.
Other names: c.1819G>A, p.Gly607Arg (NM_015120.4); short protein forms G606R, G607R.
Identifiers: ClinVar variation 967850 (VCV000967850.8), dbSNP rs1553403321, ClinGen allele CA347265494.

ClinVar aggregate classification (germline): Conflicting classifications of pathogenicity. Review status: criteria provided, conflicting classifications (1 of 4 stars). 2 submissions from 2 submitters: Uncertain significance (1); Likely benign (1). Last evaluated 2026-08-28.

Conditions:
Cardiovascular phenotype. Identifiers: MedGen CN230736.
Alstrom syndrome (ALMS). Identifiers: Orphanet 64, MedGen C0268425, MONDO:0008763, OMIM 203800.

Submissions (2):

Ambry Genetics
Classification: Likely benign for Cardiovascular phenotype. Last evaluated: 2026-08-28. Review status: criteria provided, single submitter. Criteria: Ambry Variant Classification Scheme 2023. Collection method: clinical testing. Allele origin: germline.

Labcorp Genetics (formerly Invitae), Labcorp
Classification: Uncertain significance for Alstrom syndrome. Last evaluated: 2019-10-16. Review status: criteria provided, single submitter. Criteria: Invitae Variant Classification Sherloc (09022015). Collection method: clinical testing. Allele origin: germline.
Comment: In summary, the available evidence is currently insufficient to determine the role of this variant in disease. Therefore, it has been classified as a Variant of Uncertain Significance. Algorithms developed to predict the effect of missense changes on protein structure and function output the following: SIFT: "Tolerated"; PolyPhen-2: "Not Available"; Align-GVGD: "Class C0". The arginine amino acid residue is found in multiple mammalian species, suggesting that this missense change does not adversely affect protein function. These predictions have not been confirmed by published functional studies and their clinical significance is uncertain. This variant has not been reported in the literature in individuals with ALMS1-related conditions. This variant is not present in population databases (ExAC no frequency). This sequence change replaces glycine with arginine at codon 607 of the ALMS1 protein (p.Gly607Arg). The glycine residue is weakly conserved and there is a moderate physicochemical difference between glycine and arginine.